The following is an entry in ClinVar:

ClinVar aggregate classification (germline): Uncertain significance. Review status: criteria provided, multiple submitters, no conflicts (2 of 4 stars). 2 submissions from 2 submitters: Uncertain significance (2). Last evaluated 2026-09-30.

Conditions:
Inborn genetic diseases. Identifiers: MedGen C0950123, MeSH D030342.

Allele frequency attached by ClinVar (database versions not stated): gnomAD exomes 0.00003; gnomAD 0.00005; ESP Exome Variant Server 0.00015; ExAC 0.00003; TOPMed 0.00005.
gnomAD v4.1: 150 of 1,614,004 alleles (0.0093%); highest among the groups gnomAD compares: Non-Finnish European, 0.012%; no homozygotes.

Submissions (2):

GeneDx
Classification: Uncertain significance. Last evaluated: 2026-09-30. Review status: criteria provided, single submitter. Criteria: GeneDx Variant Classification Process June 2021. Collection method: clinical testing. Allele origin: germline.
Comment: In silico analysis suggests that this missense variant does not alter protein structure/function; Has not been previously published as pathogenic or benign to our knowledge

Ambry Genetics
Classification: Uncertain significance for Inborn genetic diseases. Last evaluated: 2025-10-22. Review status: criteria provided, single submitter. Criteria: Ambry Variant Classification Scheme 2023. Collection method: clinical testing. Allele origin: germline.

NM_004667.6(HERC2):c.11962G>A (p.Val3988Met)

Gene: HERC2 (HECT and RLD domain containing E3 ubiquitin protein ligase 2; minus strand). Cytogenetic location: 15q13.1.
Variant type: single nucleotide variant.
Coding change: c.11962G>A on transcript NM_004667.6 (MANE Select); coding-DNA position 11962, G replaced by A.
Protein change: p.Val3988Met; replaces valine 3988 with methionine.
Molecular consequence: missense variant.
Genome position (GRCh38, 1-based): chr15:28,141,485, C>T on the plus strand (G>A on the coding strand, the complement: HERC2 is on the minus strand). VCF-style: chr15-28141485-C-T. GRCh37 (hg19) VCF-style: chr15-28386631-C-T.
Other names: c.11962G>A (NM_004667.4); short protein forms V3988M.
Identifiers: ClinVar variation 1318580 (VCV001318580.4), dbSNP rs374245104, ClinGen allele CA7440426.